The following is an entry in ClinVar:

ClinVar aggregate classification (germline): Uncertain significance (1 of 4 stars; one submission).

Allele frequency attached by ClinVar (database versions not stated): ExAC 0.00003; gnomAD 0.00003; TOPMed 0.00005.
gnomAD v4.1: 27 of 1,614,054 alleles (0.0017%); highest among the groups gnomAD compares: Admixed American, 0.028%; no homozygotes.

Submission:

Labcorp Genetics (formerly Invitae), Labcorp
Classification: Uncertain significance. Last evaluated: 2022-07-02. Review status: criteria provided, single submitter. Criteria: Invitae Variant Classification Sherloc (09022015). Collection method: clinical testing. Allele origin: germline.
Comment: This sequence change affects codon 80 of the SLC25A38 mRNA. It is a 'silent' change, meaning that it does not change the encoded amino acid sequence of the SLC25A38 protein. This variant is present in population databases (rs770881001, gnomAD 0.04%). This variant has not been reported in the literature in individuals affected with SLC25A38-related conditions. Algorithms developed to predict the effect of sequence changes on RNA splicing suggest that this variant may disrupt the consensus splice site. In summary, the available evidence is currently insufficient to determine the role of this variant in disease. Therefore, it has been classified as a Variant of Uncertain Significance.

NM_017875.4(SLC25A38):c.240G>A (p.Thr80=)

Gene: SLC25A38 (solute carrier family 25 member 38; plus strand). Cytogenetic location: 3p22.1.
Variant type: single nucleotide variant.
Coding change: c.240G>A on transcript NM_017875.4 (MANE Select); coding-DNA position 240, G replaced by A.
Protein change: p.Thr80=; no amino-acid change (threonine 80 retained).
Molecular consequence: synonymous variant.
Genome position (GRCh38, 1-based): chr3:39,390,471, G>A. VCF-style: chr3-39390471-G-A. GRCh37 (hg19) VCF-style: chr3-39431962-G-A.
Other names: c.240G>A, p.Thr80= (NM_001354798.2).
Identifiers: ClinVar variation 1897789 (VCV001897789.2), dbSNP rs770881001, ClinGen allele CA2327395.